The following is an entry in ClinVar:

NM_000157.4(GBA1):c.557del (p.Phe186fs)

Genes: GBA1 (glucosylceramidase beta 1; minus strand), LOC106627981 (GBA recombination region; plus strand). Cytogenetic location: 1q22.
Variant type: Deletion.
Coding change: c.557del on transcript NM_000157.4 (MANE Select); coding-DNA position 557, one base deleted (T; older notation c.557delT).
Protein change: p.Phe186fs; shifts the reading frame from phenylalanine 186.
Molecular consequence: frameshift variant.
Genome position (GRCh38, 1-based): chr1:155,238,548, A deleted on the plus strand (T on the coding strand, the reverse complement: GBA1 is on the minus strand); the first of 2 consecutive A bases (chr1:155,238,548-155,238,549); deleting either gives the same sequence. VCF-style (leftmost placement, unchanged base first): chr1-155238547-GA-G. GRCh37 (hg19) VCF-style: chr1-155208338-GA-G.
Other names: c.557del, p.Phe186fs (NM_001005741.3, NM_001005742.3); c.296del, p.Phe99fs (NM_001171811.2); c.410del, p.Phe137fs (NM_001171812.2); short protein forms F186fs, F137fs, F99fs.
Identifiers: ClinVar variation 869105 (VCV000869105.4), dbSNP rs1671890998, ClinGen allele CA916082086.

ClinVar aggregate classification (germline): Pathogenic (0 of 4 stars; one submission).

Conditions:
Gaucher disease type I (GD1). Also called: GD 1; Type 1 Gaucher Disease; Gaucher's disease, type 1; ACID BETA-GLUCOSIDASE DEFICIENCY; GAUCHER DISEASE, NONCEREBRAL JUVENILE; GBA DEFICIENCY. Identifiers: Orphanet 355, Orphanet 77259, MedGen C1961835, MONDO:0009265, OMIM 230800.

Submission:

Department of Medical Biology, Faculty of Medicine, Hacettepe University
Classification: Pathogenic for Gaucher disease type I. Review status: no assertion criteria provided. Collection method: research. Allele origin: inherited. Inheritance: Autosomal recessive inheritance. Affected: yes. Observed: 2 variant alleles, 2 compound heterozygotes. Clinical features observed: Splenomegaly (HP:0001744), Anemia (HP:0001903), Hepatomegaly (HP:0002240).
Comment: NM_001005742.2:c.557delT (p.Phe186Serfs*14) mutation located in exon 5 of GBA gene. This mutation was identified as compound heterozygous with p.N409S allele in 2 siblings with Type I GD phenotype. The glucosylceramidase levels were 1.1 and 1.01 nmol/h/mg protein, respectively. Both siblings presented erlenmayer flask deformity. c.557delT (p.Phe186Serfs*14) mutation creates early stop codon in exon 5 and eventually creates truncated proteins. The formation of the early stop codon as a result of each frameshift mutation probably distrupts the glycoside hydrolase domain of the glucocerebrosidase enzyme and hinder the activity of the enzyme.